The following is an entry in ClinVar:

ClinVar aggregate classification (germline): Likely benign (1 of 4 stars; one submission).

Allele frequency attached by ClinVar (database versions not stated): ExAC 0.00002; gnomAD 0.00002; gnomAD exomes 0.00002; TOPMed 0.00002; ESP Exome Variant Server 0.00019.
gnomAD v4.1: 37 of 1,613,488 alleles (0.0023%); highest among the groups gnomAD compares: Non-Finnish European, 0.003%; no homozygotes.

Submission:

Laboratory for Molecular Medicine, Mass General Brigham Personalized Medicine
Classification: Likely benign. Last evaluated: 2015-12-24. Review status: criteria provided, single submitter. Criteria: LMM Criteria. Collection method: clinical testing. Allele origin: germline. Observed: 1 variant allele.
Comment: p.Gln1528Gln in exon 36C of PCDH15: This variant is not expected to have clinica l significance because it does not alter an amino acid residue, is not located w ithin the splice consensus sequence, and has been identified in 2/65688 European chromosomes by the Exome Aggregation Consortium (ExAC; dbSNP rs368096085).

NM_001384140.1(PCDH15):c.4758G>A (p.Gln1586=)

Gene: PCDH15 (protocadherin related 15; minus strand). Cytogenetic location: 10q21.1.
Variant type: single nucleotide variant.
Coding change: c.4758G>A on transcript NM_001384140.1 (MANE Select); coding-DNA position 4758, G replaced by A.
Protein change: p.Gln1586=; no amino-acid change (glutamine 1586 retained).
Molecular consequence: synonymous variant.
Genome position (GRCh38, 1-based): chr10:53,807,044, C>T on the plus strand (G>A on the coding strand, the complement: PCDH15 is on the minus strand). VCF-style: chr10-53807044-C-T. GRCh37 (hg19) VCF-style: chr10-55566804-C-T.
Other names: c.4584G>A, p.Gln1528= (NM_001142771.2); c.4569G>A, p.Gln1523= (NM_001142772.2); c.4563G>A, p.Gln1521= (NM_001354420.2); c.4692G>A, p.Gln1564= (NM_001354429.2).
Identifiers: ClinVar variation 227835 (VCV000227835.5), dbSNP rs368096085, ClinGen allele CA5504611.